The following is an entry in ClinVar:

NM_001379500.1(COL18A1):c.2952G>A (p.Gln984=)

Genes: COL18A1 (collagen type XVIII alpha 1 chain; plus strand), SLC19A1 (solute carrier family 19 member 1; minus strand). Cytogenetic location: 21q22.3.
Variant type: single nucleotide variant.
Coding change: c.2952G>A on transcript NM_001379500.1 (MANE Select); coding-DNA position 2952, G replaced by A.
Protein change: p.Gln984=; no amino-acid change (glutamine 984 retained).
Molecular consequence: synonymous variant.
Genome position (GRCh38, 1-based): chr21:45,505,217, G>A. VCF-style: chr21-45505217-G-A. GRCh37 (hg19) VCF-style: chr21-46925131-G-A.
Other names: c.3483G>A, p.Gln1161= (NM_030582.4); c.4188G>A, p.Gln1396= (NM_130444.3).
Identifiers: ClinVar variation 4980417 (VCV004980417.1).

ClinVar aggregate classification (germline): Likely benign (1 of 4 stars; one submission).

Conditions:
COL18A1-related disorder. Also called: COL18A1-related condition; COL18A1-related disorders.

Submission:

PreventionGenetics, part of Exact Sciences
Classification: Likely benign for COL18A1-related condition. Last evaluated: 2025-02-11. Review status: criteria provided, single submitter. Criteria: ACMG Guidelines, 2015. Collection method: clinical testing. Allele origin: germline.
Comment: This variant is classified as likely benign based on ACMG/AMP sequence variant interpretation guidelines (Richards et al. 2015 PMID: 25741868, with internal and published modifications).